The following is an entry in ClinVar:

NM_058163.3(TSR2):c.223A>G (p.Asn75Asp)

Gene: TSR2 (TSR2 ribosome maturation factor; plus strand). Cytogenetic location: Xp11.22.
Variant type: single nucleotide variant.
Coding change: c.223A>G on transcript NM_058163.3 (MANE Select); coding-DNA position 223, A replaced by G.
Protein change: p.Asn75Asp; replaces asparagine 75 with aspartic acid.
Molecular consequence: missense variant. On other transcripts: 5 prime UTR variant (3).
Genome position (GRCh38, 1-based): chrX:54,443,450, A>G. VCF-style: chrX-54443450-A-G. GRCh37 (hg19) VCF-style: chrX-54469883-A-G.
Other names: c.223A>G, p.Asn75Asp (NM_001346789.2); c.-54A>G (NM_001346790.2); c.-63A>G (NM_001346791.2, NM_001346792.2); c.223A>G (NM_058163.1); short protein forms N75D.
Identifiers: ClinVar variation 2959844 (VCV002959844.4), dbSNP rs1922000770, ClinGen allele CA413356843.

ClinVar aggregate classification (germline): Uncertain significance. Review status: criteria provided, multiple submitters, no conflicts (2 of 4 stars). 2 submissions from 2 submitters: Uncertain significance (2). Last evaluated 2025-10-02.

Allele frequency attached by ClinVar (database versions not stated): TOPMed below 0.00001; gnomAD 0.00001.
gnomAD v4.1: 1 of 1,205,886 alleles (0.000083%); highest among the groups gnomAD compares: Non-Finnish European, 0.00011%; no homozygotes.

Submissions (2):

Ambry Genetics
Classification: Uncertain significance. Last evaluated: 2025-10-02. Review status: criteria provided, single submitter. Criteria: Ambry Variant Classification Scheme 2023. Collection method: clinical testing. Allele origin: germline.

Labcorp Genetics (formerly Invitae), Labcorp
Classification: Uncertain significance. Last evaluated: 2025-06-05. Review status: criteria provided, single submitter. Criteria: Invitae Variant Classification Sherloc (09022015). Collection method: clinical testing. Allele origin: germline.
Comment: This sequence change replaces asparagine, which is neutral and polar, with aspartic acid, which is acidic and polar, at codon 75 of the TSR2 protein (p.Asn75Asp). This variant is not present in population databases (gnomAD no frequency). This variant has not been reported in the literature in individuals affected with TSR2-related conditions. ClinVar contains an entry for this variant (Variation ID: 2959844). An algorithm developed to predict the effect of missense changes on protein structure and function (PolyPhen-2) suggests that this variant is likely to be tolerated. In summary, the available evidence is currently insufficient to determine the role of this variant in disease. Therefore, it has been classified as a Variant of Uncertain Significance.